The following is an entry in ClinVar:

NM_018896.5(CACNA1G):c.4164G>A (p.Pro1388=)

Gene: CACNA1G (calcium voltage-gated channel subunit alpha1 G; plus strand). Cytogenetic location: 17q21.33.
Variant type: single nucleotide variant.
Coding change: c.4164G>A on transcript NM_018896.5 (MANE Select); coding-DNA position 4164, G replaced by A.
Protein change: p.Pro1388=; no amino-acid change (proline 1388 retained).
Molecular consequence: synonymous variant. On other transcripts: non-coding transcript variant (5).
Genome position (GRCh38, 1-based): chr17:50,603,194, G>A. VCF-style: chr17-50603194-G-A. GRCh37 (hg19) VCF-style: chr17-48680555-G-A.
Other names: c.4164G>A, p.Pro1388= (NM_001256324.2, NM_001256325.2, NM_001256326.2 and 16 more transcripts); c.4095G>A, p.Pro1365= (NM_001256332.2, NM_198376.3, NM_198379.3 and 5 more transcripts).
Identifiers: ClinVar variation 4873275 (VCV004873275.2).
Genomic context (GRCh38, chr17:50,603,194, plus strand): 5'-CAGCGGCACCAAGATCCTGGGCATGCTGAGGGTGCTGCGGCTGCTGCGGACCCTGCGCCC[G>A]CTCAGGTGACTCCCTCCCCAGCACTGGAACACCTCCAAGAGGTGGCCCCCTCCGCAGGGA-3'
Protein context (NP_061496.2, residues 1378-1398): RVLRLLRTLR[Pro1388=]LRVISRAQGL

ClinVar aggregate classification (germline): Likely benign (1 of 4 stars; one submission).

gnomAD v4.1: 36 of 1,602,024 alleles (0.0022%); highest among the groups gnomAD compares: South Asian, 0.013%; 1 homozygote.

Submission:

CeGaT Center for Human Genetics Tuebingen
Classification: Likely benign. Last evaluated: 2026-05-01. Review status: criteria provided, single submitter. Criteria: CeGaT Center For Human Genetics Tuebingen Variant Classification Criteria Version 2. Collection method: clinical testing. Allele origin: germline. Affected: yes. Observed: 1 variant allele.
Comment: CACNA1G: BP4, BP7